The following is an entry in ClinVar:

NM_005222.4(DLX6):c.75GCA[4] (p.Gln41_Gln44del)

Genes: DLX6 (distal-less homeobox 6; plus strand), DLX6-AS1 (DLX6 antisense RNA 1; minus strand). Cytogenetic location: 7q21.3.
Variant type: Microsatellite.
Coding change: c.75GCA[4] on transcript NM_005222.4 (MANE Select); four copies in a row of the 3-base unit GCA starting at c.75; the reference has eight copies in a row; four copies, 12 bases deleted.
Protein change: p.Gln41_Gln44del.
Molecular consequence: inframe deletion.
Genome position (GRCh38, 1-based): chr7:97,006,064-97,006,075, GCAGCAGCAGCA deleted; deleting any 12 consecutive bases within chr7:97,006,052-97,006,075 gives the same sequence; the position shown is the placement nearest the transcript's 3' end. VCF-style (leftmost placement, unchanged base first): chr7-97006051-GGCAGCAGCAGCA-G. GRCh37 (hg19) VCF-style: chr7-96635363-GGCAGCAGCAGCA-G.
Identifiers: ClinVar variation 3625146 (VCV003625146.2).
Genomic context (GRCh38, chr7:97,006,051, plus strand): 5'-CTACGATGGCTGACGGCTTGGAAGGCCAGGACTCGTCCAAATCCGCCTTCATGGAGTTCG[GGCAGCAGCAGCA>G]GCAGCAGCAGCAACAGCAGCAGCAGCAGCAGCAGCAACAGCAACAGCCGCCGCCGCCGCC-3'

ClinVar aggregate classification (germline): Uncertain significance (1 of 4 stars; one submission).

Submission:

Labcorp Genetics (formerly Invitae), Labcorp
Classification: Uncertain significance. Last evaluated: 2024-03-11. Review status: criteria provided, single submitter. Criteria: Invitae Variant Classification Sherloc (09022015). Collection method: clinical testing. Allele origin: germline.
Comment: This variant, c.87_98del, results in the deletion of 4 amino acid(s) of the DLX6 protein (p.Gln41_Gln44del), but otherwise preserves the integrity of the reading frame. This variant is not present in population databases (gnomAD no frequency). This variant has not been reported in the literature in individuals affected with DLX6-related conditions. Experimental studies and prediction algorithms are not available or were not evaluated, and the functional significance of this variant is currently unknown. In summary, the available evidence is currently insufficient to determine the role of this variant in disease. Therefore, it has been classified as a Variant of Uncertain Significance.